The following is an entry in ClinVar:

ClinVar aggregate classification (germline): Pathogenic. Review status: criteria provided, multiple submitters, no conflicts (2 of 4 stars). 2 submissions from 2 submitters: Pathogenic (2). Last evaluated 2023-12-31.

Conditions:
Congenital lactic acidosis, Saguenay-Lac-Saint-Jean type (MC4DN5). Also called: MITOCHONDRIAL COMPLEX IV DEFICIENCY, NUCLEAR TYPE 5; CYTOCHROME c OXIDASE DEFICIENCY, FRENCH CANADIAN TYPE; COX DEFICIENCY, FRENCH CANADIAN TYPE. Identifiers: Orphanet 70472, MedGen C1857355, MONDO:0009069, OMIM 220111.

Submissions (2):

Labcorp Genetics (formerly Invitae), Labcorp
Classification: Pathogenic. Last evaluated: 2023-12-31. Review status: criteria provided, single submitter. Criteria: Invitae Variant Classification Sherloc (09022015). Collection method: clinical testing. Allele origin: germline.
Comment: This sequence change creates a premature translational stop signal (p.Val745Serfs*3) in the LRPPRC gene. It is expected to result in an absent or disrupted protein product. Loss-of-function variants in LRPPRC are known to be pathogenic (PMID: 26510951). This variant is not present in population databases (gnomAD no frequency). This variant has not been reported in the literature in individuals affected with LRPPRC-related conditions. For these reasons, this variant has been classified as Pathogenic.

Myriad Genetics, Inc.
Classification: Pathogenic for Congenital lactic acidosis, Saguenay-Lac-Saint-Jean type. Last evaluated: 2023-11-16. Review status: criteria provided, single submitter. Criteria: Myriad Autosomal Dominant, Autosomal Recessive and X-Linked Classification Criteria (2023). Collection method: clinical testing. Allele origin: unknown.
Comment: NM_133259.3(LRPPRC):c.2232_2247del16(V745Sfs*3) is expected to be pathogenic in the context of Leigh syndrome, French-Canadian type. This variant is predicted to lead to an abnormal or absent protein product due to the creation of a premature termination codon in LRPPRC, a gene where loss-of-function variants are known to be pathogenic. Please note: this variant was assessed in the context of healthy population screening.

Literature cited by the submitters: PubMed 26510951 (cited by Labcorp Genetics (formerly Invitae), Labcorp).

NM_133259.4(LRPPRC):c.2232_2247del (p.Val745fs)

Gene: LRPPRC (leucine rich pentatricopeptide repeat containing; minus strand). Cytogenetic location: 2p21.
Variant type: Deletion.
Coding change: c.2232_2247del on transcript NM_133259.4 (MANE Select); coding-DNA positions 2232 to 2247, 16 bases deleted (TGTCCTTGACACCGGC).
Protein change: p.Val745fs; shifts the reading frame from valine 745.
Molecular consequence: frameshift variant.
Genome position (GRCh38, 1-based): chr2:43,945,381-43,945,396, GCCGGTGTCAAGGACA deleted on the plus strand (TGTCCTTGACACCGGC on the coding strand, the reverse complement: LRPPRC is on the minus strand); deleting any 16 consecutive bases within chr2:43,945,381-43,945,398 gives the same sequence; the c. name uses the placement nearest the transcript's 3' end. VCF-style (leftmost placement, unchanged base first): chr2-43945380-TGCCGGTGTCAAGGACA-T. GRCh37 (hg19) VCF-style: chr2-44172519-TGCCGGTGTCAAGGACA-T.
Other names: short protein forms V745fs.
Identifiers: ClinVar variation 2706815 (VCV002706815.4), dbSNP rs2466561720, ClinGen allele CA2697548014.